The following is an entry in ClinVar:

ClinVar aggregate classification (germline): Conflicting classifications of pathogenicity. Review status: criteria provided, conflicting classifications (1 of 4 stars). 2 submissions from 2 submitters: Uncertain significance (1); Likely benign (1). Last evaluated 2026-06-02.

Conditions:
Neurofibromatosis, type 1 (NF1). Also called: Neurofibromatosis, type I; VON RECKLINGHAUSEN DISEASE; NEUROFIBROMATOSIS, TYPE I, SOMATIC; Peripheral type neurofibromatosis. Identifiers: Orphanet 636, MedGen C0027831, MONDO:0018975, OMIM 162200. Disease mechanism: loss of function.
Cardiovascular phenotype. Identifiers: MedGen CN230736.
Hereditary cancer-predisposing syndrome. Also called: Hereditary Cancer Syndrome; Hereditary neoplastic syndrome; Neoplastic Syndromes, Hereditary; Tumor predisposition. Identifiers: Orphanet 140162, MedGen C0027672, MeSH D009386, MONDO:0015356.

Submissions (2):

Ambry Genetics
Classification: Likely benign for Cardiovascular phenotype; Hereditary cancer-predisposing syndrome. Last evaluated: 2026-06-02. Review status: criteria provided, single submitter. Criteria: Ambry Variant Classification Scheme 2023. Collection method: clinical testing. Allele origin: germline.

Labcorp Genetics (formerly Invitae), Labcorp
Classification: Uncertain significance for Neurofibromatosis, type 1. Last evaluated: 2024-02-27. Review status: criteria provided, single submitter. Criteria: Invitae Variant Classification Sherloc (09022015). Collection method: clinical testing. Allele origin: germline.
Comment: This sequence change replaces aspartic acid, which is acidic and polar, with glutamic acid, which is acidic and polar, at codon 483 of the NF1 protein (p.Asp483Glu). This variant is not present in population databases (gnomAD no frequency). This variant has not been reported in the literature in individuals affected with NF1-related conditions. Advanced modeling of protein sequence and biophysical properties (such as structural, functional, and spatial information, amino acid conservation, physicochemical variation, residue mobility, and thermodynamic stability) has been performed at Invitae for this missense variant, however the output from this modeling did not meet the statistical confidence thresholds required to predict the impact of this variant on NF1 protein function. In summary, the available evidence is currently insufficient to determine the role of this variant in disease. Therefore, it has been classified as a Variant of Uncertain Significance.

NM_001042492.3(NF1):c.1449C>A (p.Asp483Glu)

Gene: NF1 (neurofibromin 1; plus strand). Cytogenetic location: 17q11.2.
Variant type: single nucleotide variant.
Coding change: c.1449C>A on transcript NM_001042492.3 (MANE Select); coding-DNA position 1449, C replaced by A.
Protein change: p.Asp483Glu; replaces aspartic acid 483 with glutamic acid.
Molecular consequence: missense variant.
Genome position (GRCh38, 1-based): chr17:31,214,507, C>A. VCF-style: chr17-31214507-C-A. GRCh37 (hg19) VCF-style: chr17-29541525-C-A.
Other names: c.1449C>A, p.Asp483Glu (NM_000267.4, NM_001128147.3); short protein forms D483E.
Identifiers: ClinVar variation 3692461 (VCV003692461.3).
Genomic context (GRCh38, chr17:31,214,507, plus strand): 5'-TTAGAGTCTTACATTTAAAGAAAAAGTAACAAGCCTTAAATTTAAAGAAAAACCTACAGA[C>A]CTGGAGACAAGAAGCTATAAGTATCTTCTCTTGTCCATGGTGAAACTAATTCATGCAGAT-3'
Protein context (NP_001035957.1, residues 473-493): TSLKFKEKPT[Asp483Glu]LETRSYKYLL